The following is an entry in ClinVar:

ClinVar aggregate classification (germline): Uncertain significance (1 of 4 stars; one submission).

Conditions:
Emery-Dreifuss muscular dystrophy 4, autosomal dominant (EDMD4). Also called: EMERY-DREIFUSS MUSCULAR DYSTROPHY 4 WITH VARIABLE FEATURES. Identifiers: Orphanet 261, MedGen C2751807, MONDO:0013071, OMIM 612998.
Autosomal recessive ataxia, Beauce type. Also called: SYNE1 Deficiency; Spinocerebellar ataxia, autosomal recessive 8; ATAXIA, RECESSIVE, OF BEAUCE; SYNE1-Related Autosomal Recessive Cerebellar Ataxia. Identifiers: Orphanet 88644, MedGen C1853116, MONDO:0012549, OMIM 610743.

Allele frequency attached by ClinVar (database versions not stated): gnomAD exomes below 0.00001.
gnomAD v4.1: 3 of 1,614,202 alleles (0.00019%); highest among the groups gnomAD compares: Non-Finnish European, 0.00025%; no homozygotes.

Submission:

Labcorp Genetics (formerly Invitae), Labcorp
Classification: Uncertain significance for Emery-Dreifuss muscular dystrophy 4, autosomal dominant; Autosomal recessive ataxia, Beauce type. Last evaluated: 2022-01-11. Review status: criteria provided, single submitter. Criteria: Invitae Variant Classification Sherloc (09022015). Collection method: clinical testing. Allele origin: germline.
Comment: In summary, the available evidence is currently insufficient to determine the role of this variant in disease. Therefore, it has been classified as a Variant of Uncertain Significance. Algorithms developed to predict the effect of missense changes on protein structure and function are either unavailable or do not agree on the potential impact of this missense change (SIFT: "Deleterious"; PolyPhen-2: "Possibly Damaging"; Align-GVGD: "Class C0"). This variant has not been reported in the literature in individuals affected with SYNE1-related conditions. This variant is not present in population databases (gnomAD no frequency). This sequence change replaces serine, which is neutral and polar, with arginine, which is basic and polar, at codon 3188 of the SYNE1 protein (p.Ser3188Arg).

NM_182961.4(SYNE1):c.9543T>G (p.Ser3181Arg)

Gene: SYNE1 (spectrin repeat containing nuclear envelope protein 1; minus strand). Cytogenetic location: 6q25.2.
Variant type: single nucleotide variant.
Coding change: c.9543T>G on transcript NM_182961.4 (MANE Select); coding-DNA position 9543, T replaced by G.
Protein change: p.Ser3181Arg; replaces serine 3181 with arginine.
Molecular consequence: missense variant.
Genome position (GRCh38, 1-based): chr6:152,369,579, A>C on the plus strand (T>G on the coding strand, the complement: SYNE1 is on the minus strand). VCF-style: chr6-152369579-A-C. GRCh37 (hg19) VCF-style: chr6-152690714-A-C.
Other names: c.9564T>G, p.Ser3188Arg (NM_033071.5); short protein forms S3181R, S3188R.
Identifiers: ClinVar variation 2079081 (VCV002079081.4), dbSNP rs2489971540, ClinGen allele CA366138539.